The following is an entry in ClinVar:

ClinVar aggregate classification (germline): Uncertain significance (1 of 4 stars; one submission).

Submission:

Labcorp Genetics (formerly Invitae), Labcorp
Classification: Uncertain significance. Last evaluated: 2024-08-01. Review status: criteria provided, single submitter. Criteria: Invitae Variant Classification Sherloc (09022015). Collection method: clinical testing. Allele origin: germline.
Comment: This sequence change creates a premature translational stop signal (p.Tyr568*) in the JAK1 gene. It is expected to result in an absent or disrupted protein product. However, the current clinical and genetic evidence is not sufficient to establish whether loss-of-function variants in JAK1 cause disease. This variant is not present in population databases (gnomAD no frequency). This variant has not been reported in the literature in individuals affected with JAK1-related conditions. In summary, the available evidence is currently insufficient to determine the role of this variant in disease. Therefore, it has been classified as a Variant of Uncertain Significance.

NM_002227.4(JAK1):c.1704C>A (p.Tyr568Ter)

Gene: JAK1 (Janus kinase 1; minus strand). Cytogenetic location: 1p31.3.
Variant type: single nucleotide variant.
Coding change: c.1704C>A on transcript NM_002227.4 (MANE Select); coding-DNA position 1704, C replaced by A.
Protein change: p.Tyr568Ter; replaces tyrosine 568 with a stop codon.
Molecular consequence: nonsense.
Genome position (GRCh38, 1-based): chr1:64,850,855, G>T on the plus strand (C>A on the coding strand, the complement: JAK1 is on the minus strand). VCF-style: chr1-64850855-G-T. GRCh37 (hg19) VCF-style: chr1-65316538-G-T.
Other names: c.1704C>A, p.Tyr568Ter (NM_001320923.2, NM_001321852.2, NM_001321853.2 and 3 more transcripts); c.1701C>A, p.Tyr567Ter (NM_001321857.2); short protein forms Y567*, Y568*.
Identifiers: ClinVar variation 3660987 (VCV003660987.2).